The following is an entry in ClinVar:

NM_032119.4(ADGRV1):c.3289+1G>A

Gene: ADGRV1 (adhesion G protein-coupled receptor V1; plus strand). Cytogenetic location: 5q14.3.
Variant type: single nucleotide variant.
Coding change: c.3289+1G>A on transcript NM_032119.4 (MANE Select); the canonical splice donor site of the intron after coding-DNA position 3289, G replaced by A.
Molecular consequence: splice donor variant.
Genome position (GRCh38, 1-based): chr5:90,647,765, G>A. VCF-style: chr5-90647765-G-A. GRCh37 (hg19) VCF-style: chr5-89943582-G-A.
Identifiers: ClinVar variation 1066804 (VCV001066804.9), dbSNP rs1221977534, ClinGen allele CA360394139.

ClinVar aggregate classification (germline): Likely pathogenic (1 of 4 stars; one submission).

Allele frequency attached by ClinVar (database versions not stated): gnomAD exomes below 0.00001; TOPMed below 0.00001.
gnomAD v4.1: 1 of 1,609,084 alleles (0.000062%); highest among the groups gnomAD compares: Non-Finnish European, 0.000085%; no homozygotes.

Submission:

Labcorp Genetics (formerly Invitae), Labcorp
Classification: Likely pathogenic. Last evaluated: 2023-11-28. Review status: criteria provided, single submitter. Criteria: Invitae Variant Classification Sherloc (09022015). Collection method: clinical testing. Allele origin: germline.
Comment: This sequence change affects a donor splice site in intron 17 of the ADGRV1 gene. It is expected to disrupt RNA splicing. Variants that disrupt the donor or acceptor splice site typically lead to a loss of protein function (PMID: 16199547), and loss-of-function variants in ADGRV1 are known to be pathogenic (PMID: 19357117, 22135276, 22147658, 26226137, 30718709, 31047384, 32467589). This variant is not present in population databases (gnomAD no frequency). Disruption of this splice site has been observed in individual(s) with clinical features of ADGRV1-related conditions (Invitae). ClinVar contains an entry for this variant (Variation ID: 1066804). Algorithms developed to predict the effect of sequence changes on RNA splicing suggest that this variant may disrupt the consensus splice site. In summary, the currently available evidence indicates that the variant is pathogenic, but additional data are needed to prove that conclusively. Therefore, this variant has been classified as Likely Pathogenic.

Literature cited by the submitters: PubMed 16199547; PubMed 19357117; PubMed 22135276; PubMed 22147658; PubMed 26226137; PubMed 30718709; PubMed 31047384; PubMed 32467589.